The following is an entry in ClinVar:

NM_015884.4(MBTPS2):c.529A>C (p.Ile177Leu)

Gene: MBTPS2 (membrane bound transcription factor peptidase, site 2; plus strand). Cytogenetic location: Xp22.12.
Variant type: single nucleotide variant.
Coding change: c.529A>C on transcript NM_015884.4 (MANE Select); coding-DNA position 529, A replaced by C.
Protein change: p.Ile177Leu; replaces isoleucine 177 with leucine.
Molecular consequence: missense variant.
Genome position (GRCh38, 1-based): chrX:21,851,599, A>C. VCF-style: chrX-21851599-A-C. GRCh37 (hg19) VCF-style: chrX-21869717-A-C.
Other names: short protein forms I177L.
Identifiers: ClinVar variation 522925 (VCV000522925.7), dbSNP rs766760741, ClinGen allele CA10367375.

ClinVar aggregate classification (germline): Uncertain significance. Review status: criteria provided, multiple submitters, no conflicts (2 of 4 stars). 2 submissions from 2 submitters: Uncertain significance (2). Last evaluated 2023-06-27.

Conditions:
IFAP syndrome 1, with or without BRESHECK syndrome. Also called: IFAP SYNDROME 1; IFAP syndrome with or without BRESHECK syndrome; ICHTHYOSIS FOLLICULARIS, ATRICHIA, AND PHOTOPHOBIA WITH OR WITHOUT BRAIN ANOMALIES, RETARDATION, ECTODERMAL DYSPLASIA, SKELETAL MALFORMATIONS, HIRSCHSPRUNG DISEASE, EAR/EYE ANOMALIES, CLEFT PALATE/CRYPTORCHIDISM, AND KIDNEY DYSPLASIA/HYPOPLASIA. Identifiers: Orphanet 2273, Orphanet 85284, MedGen C5399971, MONDO:0100213, OMIM 308205.

Allele frequency attached by ClinVar (database versions not stated): gnomAD exomes 0.00001; TOPMed 0.00001; ExAC 0.00001.
gnomAD v4.1: 7 of 1,170,661 alleles (0.0006%); highest among the groups gnomAD compares: South Asian, 0.0036%; no homozygotes.

Submissions (2):

Labcorp Genetics (formerly Invitae), Labcorp
Classification: Uncertain significance. Last evaluated: 2023-06-27. Review status: criteria provided, single submitter. Criteria: Invitae Variant Classification Sherloc (09022015). Collection method: clinical testing. Allele origin: germline.
Comment: This sequence change replaces isoleucine, which is neutral and non-polar, with leucine, which is neutral and non-polar, at codon 177 of the MBTPS2 protein (p.Ile177Leu). This variant is present in population databases (rs766760741, gnomAD 0.001%). This variant has not been reported in the literature in individuals affected with MBTPS2-related conditions. ClinVar contains an entry for this variant (Variation ID: 522925). Advanced modeling of protein sequence and biophysical properties (such as structural, functional, and spatial information, amino acid conservation, physicochemical variation, residue mobility, and thermodynamic stability) performed at Invitae indicates that this missense variant is not expected to disrupt MBTPS2 protein function. In summary, the available evidence is currently insufficient to determine the role of this variant in disease. Therefore, it has been classified as a Variant of Uncertain Significance.

Genomic Research Center, Shahid Beheshti University of Medical Sciences
Classification: Uncertain significance for IFAP syndrome. Last evaluated: 2017-12-18. Review status: criteria provided, single submitter. Criteria: ACMG Guidelines, 2015. Collection method: clinical testing. Allele origin: inherited. Affected: yes.